The following is an entry in ClinVar:

ClinVar aggregate classification (germline): Likely pathogenic (1 of 4 stars; one submission).

Submission:

GeneDx
Classification: Likely pathogenic. Last evaluated: 2025-06-11. Review status: criteria provided, single submitter. Criteria: GeneDx Variant Classification Process June 2021. Collection method: clinical testing. Allele origin: germline. Affected: yes.
Comment: Not observed at significant frequency in large population cohorts (gnomAD); In silico analysis supports a deleterious effect on splicing; Has not been previously published as pathogenic or benign to our knowledge

NM_014336.5(AIPL1):c.97-10C>A

Gene: AIPL1 (AIP like 1 HSP90 co-chaperone; minus strand). Cytogenetic location: 17p13.2.
Variant type: single nucleotide variant.
Coding change: c.97-10C>A on transcript NM_014336.5 (MANE Select); 10 bases into the intron before coding-DNA position 97, C replaced by A.
Molecular consequence: intron variant.
Genome position (GRCh38, 1-based): chr17:6,434,108, G>T on the plus strand (C>A on the coding strand, the complement: AIPL1 is on the minus strand). VCF-style: chr17-6434108-G-T. GRCh37 (hg19) VCF-style: chr17-6337428-G-T.
Other names: c.96+901C>A (NM_001033055.3); c.97-76C>A (NM_001285400.3); c.97-46C>A (NM_001285399.3); c.97-10C>A (NM_001033054.3, NM_001285401.3, NM_001285403.4); c.-21-10C>A (NM_001285402.2).
Identifiers: ClinVar variation 4537962 (VCV004537962.1).